The following is an entry in ClinVar:

NM_001367561.1(DOCK7):c.1800+1580A>C

Gene: DOCK7 (dedicator of cytokinesis 7; minus strand). Cytogenetic location: 1p31.3.
Variant type: single nucleotide variant.
Coding change: c.1800+1580A>C on transcript NM_001367561.1 (MANE Select); 1580 bases into the intron after coding-DNA position 1800, A replaced by C.
Molecular consequence: intron variant.
Genome position (GRCh38, 1-based): chr1:62,584,927, T>G on the plus strand (A>C on the coding strand, the complement: DOCK7 is on the minus strand). VCF-style: chr1-62584927-T-G. GRCh37 (hg19) VCF-style: chr1-63050598-T-G.
Other names: c.1800+1580A>C (NM_001272001.2, NM_001272000.2, NM_033407.4 and 2 more transcripts); c.1801-49A>C (NM_001272002.2).
Identifiers: ClinVar variation 1227339 (VCV001227339.6), dbSNP rs3850634, ClinGen allele CA886457.

ClinVar aggregate classification (germline): Benign. Review status: criteria provided, multiple submitters, no conflicts (2 of 4 stars). 3 submissions from 3 submitters: Benign (3). Last evaluated 2024-07-15.

Allele frequency attached by ClinVar (database versions not stated): gnomAD exomes 0.32265 and 0.32834; 1000 Genomes Project 0.33167; gnomAD 0.33451 and 0.33461; 1000 Genomes Project 30x 0.33588; TOPMed 0.34174; ExAC 0.36473.
gnomAD v4.1: 220,835 of 679,296 alleles (33%); highest among the groups gnomAD compares: South Asian, 43%; 37,649 homozygotes.

Submissions (3):

Unidad de Genómica Garrahan, Hospital de Pediatría Garrahan
Classification: Benign. Last evaluated: 2024-07-15. Review status: criteria provided, single submitter. Criteria: ACMG Guidelines, 2015. Collection method: clinical testing. Allele origin: germline. Affected: no. Observed: 51 variant alleles.
Comment: This variant is classified as Benign based on local population frequency. This variant was detected in 55% of patients studied in a panel designed for Epileptic and Developmental Encephalopathy and Progressive Myoclonus Epilepsy. Number of patients: 51. Only high quality variants are reported.

GeneDx
Classification: Benign. Last evaluated: 2021-03-14. Review status: criteria provided, single submitter. Criteria: GeneDx Variant Classification Process June 2021. Collection method: clinical testing. Allele origin: germline. Affected: yes.

Breakthrough Genomics
Classification: Benign. Review status: criteria provided, single submitter. Criteria: ACMG Guidelines, 2015. Collection method: not provided. Allele origin: germline. Inheritance: Autosomal recessive inheritance. Affected: yes.